The following is an entry in ClinVar:

ClinVar aggregate classification (germline): Pathogenic/Likely pathogenic. Review status: criteria provided, multiple submitters, no conflicts (2 of 4 stars). 3 submissions from 3 submitters: Pathogenic (2); Likely pathogenic (1). Last evaluated 2025-11-09.

Conditions:
COG5-congenital disorder of glycosylation. Also called: CDG IIi; CONGENITAL DISORDER OF GLYCOSYLATION, TYPE IIi; COG5-CDG. Identifiers: Orphanet 263487, MedGen C3150876, MONDO:0013325, OMIM 613612.

Allele frequency attached by ClinVar (database versions not stated): gnomAD 0.00001; gnomAD exomes 0.00001; ExAC 0.00002; TOPMed 0.00002; ESP Exome Variant Server 0.00023.
gnomAD v4.1: 23 of 1,613,628 alleles (0.0014%); highest among the groups gnomAD compares: Non-Finnish European, 0.0018%; no homozygotes.

Submissions (3):

Labcorp Genetics (formerly Invitae), Labcorp
Classification: Pathogenic for COG5-congenital disorder of glycosylation. Last evaluated: 2025-11-09. Review status: criteria provided, single submitter. Criteria: Invitae Variant Classification Sherloc (09022015). Collection method: clinical testing. Allele origin: germline.
Comment: This sequence change creates a premature translational stop signal (p.Arg492*) in the COG5 gene. It is expected to result in an absent or disrupted protein product. Loss-of-function variants in COG5 are known to be pathogenic (PMID: 23228021). This variant is present in population databases (rs148069173, gnomAD 0.008%). This variant has not been reported in the literature in individuals affected with COG5-related conditions. ClinVar contains an entry for this variant (Variation ID: 1334509). For these reasons, this variant has been classified as Pathogenic.

3billion
Classification: Pathogenic for COG5-congenital disorder of glycosylation. Last evaluated: 2025-11-04. Review status: criteria provided, single submitter. Criteria: ACMG Guidelines, 2015. Collection method: clinical testing. Allele origin: germline. Affected: yes.
Comment: The variant is observed at an extremely low frequency in the gnomAD v4.1.0 dataset (total allele frequency: 0.001%). Predicted Consequence/Location: Stop-gained (nonsense): predicted to result in a loss or disruption of normal protein function through nonsense-mediated decay (NMD) or protein truncation. Multiple pathogenic variants are reported downstream of the variant. The variant has been reported at least twice as pathogenic with clinical assertions and evidence for the classification (ClinVar ID: VCV001334509). Therefore, this variant is classified as Pathogenic according to the recommendation of ACMG/AMP guideline.

Greenwood Genetic Center Diagnostic Laboratories, Greenwood Genetic Center
Classification: Likely pathogenic for COG5-congenital disorder of glycosylation. Last evaluated: 2021-07-13. Review status: criteria provided, single submitter. Criteria: ACMG Guidelines, 2015. Collection method: clinical testing. Allele origin: germline. Affected: yes.
Comment: PVS1, PM2

Literature cited by the submitters: PubMed 23228021 (cited by Labcorp Genetics (formerly Invitae), Labcorp).

NM_006348.5(COG5):c.1381C>T (p.Arg461Ter)

Gene: COG5 (component of oligomeric golgi complex 5; minus strand). Cytogenetic location: 7q22.3.
Variant type: single nucleotide variant.
Coding change: c.1381C>T on transcript NM_006348.5 (MANE Select); coding-DNA position 1381, C replaced by T.
Protein change: p.Arg461Ter; replaces arginine 461 with a stop codon.
Molecular consequence: nonsense. On other transcripts: intron variant (1).
Genome position (GRCh38, 1-based): chr7:107,283,665, G>A on the plus strand (C>T on the coding strand, the complement: COG5 is on the minus strand). VCF-style: chr7-107283665-G-A. GRCh37 (hg19) VCF-style: chr7-106924110-G-A.
Other names: c.1381C>T, p.Arg461Ter (NM_001161520.2, NM_001379512.1, NM_001379513.1 and 2 more transcripts); c.811C>T, p.Arg271Ter (NM_001379515.1); c.667C>T, p.Arg223Ter (NM_001379516.1); c.1314-2266C>T (NM_001379511.1); short protein forms R271*, R461*, R223*.
Identifiers: ClinVar variation 1334509 (VCV001334509.8), dbSNP rs148069173, ClinGen allele CA4430926.